The following is an entry in ClinVar:

ClinVar aggregate classification (germline): Uncertain significance (1 of 4 stars; one submission).

gnomAD v4.1: 4 of 1,613,994 alleles (0.00025%); highest among the groups gnomAD compares: Admixed American, 0.005%; no homozygotes.

Submission:

Labcorp Genetics (formerly Invitae), Labcorp
Classification: Uncertain significance. Last evaluated: 2025-12-03. Review status: criteria provided, single submitter. Criteria: Invitae Variant Classification Sherloc (09022015). Collection method: clinical testing. Allele origin: germline.
Comment: This sequence change replaces asparagine, which is neutral and polar, with serine, which is neutral and polar, at codon 973 of the CACNA1D protein (p.Asn973Ser). This variant is present in population databases (rs567068933, gnomAD 0.003%). This variant has not been reported in the literature in individuals affected with CACNA1D-related conditions. Invitae Evidence Modeling of protein sequence and biophysical properties (such as structural, functional, and spatial information, amino acid conservation, physicochemical variation, residue mobility, and thermodynamic stability) indicates that this missense variant is not expected to disrupt CACNA1D protein function with a negative predictive value of 80%. In summary, the available evidence is currently insufficient to determine the role of this variant in disease. Therefore, it has been classified as a Variant of Uncertain Significance.

NM_001128840.3(CACNA1D):c.2858A>G (p.Asn953Ser)

Gene: CACNA1D (calcium voltage-gated channel subunit alpha1 D; plus strand). Cytogenetic location: 3p21.1.
Variant type: single nucleotide variant.
Coding change: c.2858A>G on transcript NM_001128840.3 (MANE Select); coding-DNA position 2858, A replaced by G.
Protein change: p.Asn953Ser; replaces asparagine 953 with serine.
Molecular consequence: missense variant.
Genome position (GRCh38, 1-based): chr3:53,743,057, A>G. VCF-style: chr3-53743057-A-G. GRCh37 (hg19) VCF-style: chr3-53777084-A-G.
Other names: c.2918A>G, p.Asn973Ser (NM_000720.4); c.2858A>G, p.Asn953Ser (NM_001128839.3); short protein forms N953S, N973S.
Identifiers: ClinVar variation 4693959 (VCV004693959.1).